The following is an entry in ClinVar:

ClinVar aggregate classification (germline): Uncertain significance (1 of 4 stars; one submission).

Submission:

GeneDx
Classification: Uncertain significance. Last evaluated: 2024-08-22. Review status: criteria provided, single submitter. Criteria: GeneDx Variant Classification Process June 2021. Collection method: clinical testing. Allele origin: germline. Affected: yes.
Comment: Not observed at significant frequency in large population cohorts (gnomAD); Intronic +5 splice site variant in a gene for which loss of function is a known mechanism of disease, and both splice predictors and evolutionary conservation support a deleterious effect, although in the absence of functional evidence the actual effect of this sequence change is unknown.; Has not been previously published as pathogenic or benign to our knowledge

NM_005797.4(MPZL2):c.225+4dup

Gene: MPZL2 (myelin protein zero like 2; minus strand). Cytogenetic location: 11q23.3.
Variant type: Duplication.
Coding change: c.225+4dup on transcript NM_005797.4 (MANE Select); 4 bases into the intron after coding-DNA position 225, one base duplicated (A; older notation c.225+4dupA).
Molecular consequence: intron variant.
Genome position (GRCh38, 1-based): chr11:118,262,927, T duplicated on the plus strand (A on the coding strand, the reverse complement: MPZL2 is on the minus strand); the first of 2 consecutive T bases (chr11:118,262,927-118,262,928); duplicating either gives the same sequence. VCF-style (leftmost placement, unchanged base first): chr11-118262926-C-CT. GRCh37 (hg19) VCF-style: chr11-118133641-C-CT.
Other names: c.225+4dup (NM_144765.3).
Identifiers: ClinVar variation 3764394 (VCV003764394.1).